The following is an entry in ClinVar:

NM_144701.3(IL23R):c.491+6T>C

Gene: IL23R (interleukin 23 receptor; plus strand). Cytogenetic location: 1p31.3.
Variant type: single nucleotide variant.
Coding change: c.491+6T>C on transcript NM_144701.3 (MANE Select); 6 bases into the intron after coding-DNA position 491, T replaced by C.
Molecular consequence: intron variant.
Genome position (GRCh38, 1-based): chr1:67,182,965, T>C. VCF-style: chr1-67182965-T-C. GRCh37 (hg19) VCF-style: chr1-67648648-T-C.
Identifiers: ClinVar variation 4726881 (VCV004726881.1).
Genomic context (GRCh38, chr1:67,182,965, plus strand): 5'-GGAATGCTGGGAAGCTCACCTACATAGACACAAAATACGTGGTACATGTGAAGAGGTAGG[T>C]CACTTCCTCACGGCTTCATATAAGCAGTTCCACCCCAGTTCAGCCAGAGCTCTGCCTCCA-3'

ClinVar aggregate classification (germline): Uncertain significance (1 of 4 stars; one submission).

Submission:

Labcorp Genetics (formerly Invitae), Labcorp
Classification: Uncertain significance. Last evaluated: 2025-09-09. Review status: criteria provided, single submitter. Criteria: Invitae Variant Classification Sherloc (09022015). Collection method: clinical testing. Allele origin: germline.
Comment: This sequence change falls in intron 4 of the IL23R gene. It does not directly change the encoded amino acid sequence of the IL23R protein. It affects a nucleotide within the consensus splice site. This variant is not present in population databases (gnomAD no frequency). This variant has not been reported in the literature in individuals affected with IL23R-related conditions. Variants that disrupt the consensus splice site are a relatively common cause of aberrant splicing (PMID: 17576681, 9536098). Algorithms developed to predict the effect of sequence changes on RNA splicing suggest that this variant is not likely to affect RNA splicing. In summary, the available evidence is currently insufficient to determine the role of this variant in disease. Therefore, it has been classified as a Variant of Uncertain Significance.

Literature cited by the submitters: PubMed 17576681; PubMed 9536098.